The following is an entry in ClinVar:

ClinVar aggregate classification (germline): Uncertain significance. Review status: criteria provided, multiple submitters, no conflicts (2 of 4 stars). 2 submissions from 2 submitters: Uncertain significance (2). Last evaluated 2023-04-18.

Conditions:
Cone-rod dystrophy 6 (CORD6). Also called: RETINAL CONE DYSTROPHY 2; Cone dystrophy progressive. Identifiers: Orphanet 1872, MedGen C1866293, MONDO:0011143, OMIM 601777.
Leber congenital amaurosis 1 (LCA1). Also called: Congenital absence of the rods and cones; Leber's congenital tapetoretinal degeneration; Leber's congenital tapetoretinal dysplasia; RETINAL BLINDNESS, CONGENITAL; AMAUROSIS CONGENITA OF LEBER I. Identifiers: Orphanet 65, MedGen C2931258, MONDO:0008764, OMIM 204000.

Submissions (2):

Blueprint Genetics
Classification: Uncertain significance. Last evaluated: 2023-04-18. Review status: criteria provided, single submitter. Criteria: ACMG Guidelines, 2015. Collection method: clinical testing. Allele origin: germline.

Labcorp Genetics (formerly Invitae), Labcorp
Classification: Uncertain significance for Leber congenital amaurosis 1; Cone-rod dystrophy 6. Last evaluated: 2022-09-13. Review status: criteria provided, single submitter. Criteria: Invitae Variant Classification Sherloc (09022015). Collection method: clinical testing. Allele origin: germline.
Comment: Algorithms developed to predict the effect of missense changes on protein structure and function (SIFT, PolyPhen-2, Align-GVGD) all suggest that this variant is likely to be disruptive. ClinVar contains an entry for this variant (Variation ID: 1034880). This missense change has been observed in individual(s) with clinical features of GUCY2D-related conditions (Invitae). This variant is not present in population databases (gnomAD no frequency). This sequence change replaces glutamic acid, which is acidic and polar, with lysine, which is basic and polar, at codon 832 of the GUCY2D protein (p.Glu832Lys). In summary, the available evidence is currently insufficient to determine the role of this variant in disease. Therefore, it has been classified as a Variant of Uncertain Significance.

NM_000180.4(GUCY2D):c.2494G>A (p.Glu832Lys)

Gene: GUCY2D (guanylate cyclase 2D, retinal; plus strand). Cytogenetic location: 17p13.1.
Variant type: single nucleotide variant.
Coding change: c.2494G>A on transcript NM_000180.4 (MANE Select); coding-DNA position 2494, G replaced by A.
Protein change: p.Glu832Lys; replaces glutamic acid 832 with lysine.
Molecular consequence: missense variant.
Genome position (GRCh38, 1-based): chr17:8,014,682, G>A. VCF-style: chr17-8014682-G-A. GRCh37 (hg19) VCF-style: chr17-7918000-G-A.
Other names: short protein forms E832K.
Identifiers: ClinVar variation 1034880 (VCV001034880.9), dbSNP rs1975926150, ClinGen allele CA397953562.
Genomic context (GRCh38, chr17:8,014,682, plus strand): 5'-CGGAAGACGAACATCATTGACTCGATGCTTCGGATGCTGGAGCAGTACTCTAGTAACCTG[G>A]AGGATCTGATCCGGGAGCGCACGGAGGAGCTGGAGCTGGAAAAGCAGAAGACAGACCGGC-3'
Protein context (NP_000171.1, residues 822-842): RMLEQYSSNL[Glu832Lys]DLIRERTEEL